The following is an entry in ClinVar:

NM_001042492.3(NF1):c.2410-15A>G

Gene: NF1 (neurofibromin 1; plus strand). Cytogenetic location: 17q11.2.
Variant type: single nucleotide variant.
Coding change: c.2410-15A>G on transcript NM_001042492.3 (MANE Select); 15 bases into the intron before coding-DNA position 2410, A replaced by G.
Molecular consequence: intron variant.
Genome position (GRCh38, 1-based): chr17:31,229,010, A>G. VCF-style: chr17-31229010-A-G. GRCh37 (hg19) VCF-style: chr17-29556028-A-G.
Other names: c.2410-15A>G (NM_000267.4).
Identifiers: ClinVar variation 816757 (VCV000816757.4), dbSNP rs1597715031, ClinGen allele CA915949774.

ClinVar aggregate classification (germline): Pathogenic/Likely pathogenic. Review status: criteria provided, multiple submitters, no conflicts (2 of 4 stars). 3 submissions from 3 submitters: Pathogenic (2); Likely pathogenic (1). Last evaluated 2024-04-04.

Conditions:
Neurofibromatosis, type 1 (NF1). Also called: Peripheral type neurofibromatosis; Neurofibromatosis, type I; NEUROFIBROMATOSIS, TYPE I, SOMATIC; VON RECKLINGHAUSEN DISEASE. Identifiers: Orphanet 636, MedGen C0027831, MONDO:0018975, OMIM 162200. Disease mechanism: loss of function.

Submissions (3):

Greenwood Genetic Center Diagnostic Laboratories, Greenwood Genetic Center
Classification: Pathogenic for Neurofibromatosis, type 1. Last evaluated: 2024-04-04. Review status: criteria provided, single submitter. Criteria: ACMG Guidelines, 2015. Collection method: clinical testing. Allele origin: germline. Affected: yes.
Comment: PS4_Moderate, PM2, PS3_Very Strong

UAB Medical Genomics Laboratory, UAB Medicine
Classification: Pathogenic for Neurofibromatosis, type 1. Last evaluated: 2020-01-20. Review status: criteria provided, single submitter. Criteria: ACMG Guidelines, 2015. Collection method: clinical testing. Allele origin: germline. Affected: yes.

Department of Pathology and Laboratory Medicine, Sinai Health System
Classification: Likely pathogenic for neurofibromatosis type 1. Review status: criteria provided, single submitter. Criteria: ACMG Guidelines, 2015. Collection method: clinical testing. Allele origin: germline.

Literature cited by the submitters: PubMed 32126153 (cited by UAB Medical Genomics Laboratory, UAB Medicine).